The following is an entry in ClinVar:

ClinVar aggregate classification (germline): Uncertain significance (1 of 4 stars; one submission).

Conditions:
Oculofaciocardiodental syndrome (MCOPS2). Identifiers: Orphanet 2712, MedGen C1846265, MONDO:0010261, OMIM 300166.

Submission:

Labcorp Genetics (formerly Invitae), Labcorp
Classification: Uncertain significance for Oculofaciocardiodental syndrome. Last evaluated: 2023-02-14. Review status: criteria provided, single submitter. Criteria: Invitae Variant Classification Sherloc (09022015). Collection method: clinical testing. Allele origin: germline.
Comment: In summary, the available evidence is currently insufficient to determine the role of this variant in disease. Therefore, it has been classified as a Variant of Uncertain Significance. Algorithms developed to predict the effect of missense changes on protein structure and function output the following: SIFT: "Tolerated"; PolyPhen-2: "Benign"; Align-GVGD: "Class C0". The glycine amino acid residue is found in multiple mammalian species, which suggests that this missense change does not adversely affect protein function. This variant has not been reported in the literature in individuals affected with BCOR-related conditions. This variant is not present in population databases (gnomAD no frequency). This sequence change replaces serine, which is neutral and polar, with glycine, which is neutral and non-polar, at codon 834 of the BCOR protein (p.Ser834Gly).

NM_001123385.2(BCOR):c.2500A>G (p.Ser834Gly)

Gene: BCOR (BCL6 corepressor; minus strand). Cytogenetic location: Xp11.4.
Variant type: single nucleotide variant.
Coding change: c.2500A>G on transcript NM_001123385.2 (MANE Select); coding-DNA position 2500, A replaced by G.
Protein change: p.Ser834Gly; replaces serine 834 with glycine.
Molecular consequence: missense variant.
Genome position (GRCh38, 1-based): chrX:40,072,846, T>C on the plus strand (A>G on the coding strand, the complement: BCOR is on the minus strand). VCF-style: chrX-40072846-T-C. GRCh37 (hg19) VCF-style: chrX-39932099-T-C.
Other names: c.2500A>G, p.Ser834Gly (NM_001123383.2, NM_001123384.2, NM_017745.6); short protein forms S834G.
Identifiers: ClinVar variation 2826046 (VCV002826046.3), dbSNP rs2519938593, ClinGen allele CA412742514.
Genomic context (GRCh38, chrX:40,072,846, plus strand): 5'-CGATGAAATCACGGTGCTGCTGCAGGGCCGGCTCAACTGAGGGCTTGGGGGGCTCAGCGC[T>C]CTGGCCAACACTCTCTGCTGCAAAGCTGGGTTTGGACACGTTTGTGTCAGTTTTAGCATC-3'
Protein context (NP_001116857.1, residues 824-844): PSFAAESVGQ[Ser834Gly]AEPPKPSVEP